The following is an entry in ClinVar:

ClinVar aggregate classification (germline): Pathogenic. Review status: criteria provided, multiple submitters, no conflicts (2 of 4 stars). 4 submissions from 4 submitters: Pathogenic (3). 1 of the submissions does not count toward it. Last evaluated 2025-04-16.

Conditions:
Retinitis pigmentosa 80 (RP80). Identifiers: MedGen C4540439, MONDO:0054708, OMIM 617781.
Saldino-Mainzer syndrome (SRTD9). Also called: short-rib thoracic dysplasia 9 with or without polydactyly; Renal dysplasia, retinal pigmentary dystrophy, cerebellar ataxia and skeletal dysplasia; SHORT-RIB THORACIC DYSPLASIA 9 WITHOUT POLYDACTYLY; CONORENAL SYNDROME. Identifiers: Orphanet 140969, MedGen C1849437, MONDO:0009964, OMIM 266920.
Renal cyst. Also called: Cystic kidney disease; Renal cysts; cystic kidneys. Identifiers: MedGen C3887499, MONDO:0002473, HP:0000107.

Allele frequency attached by ClinVar (database versions not stated): gnomAD exomes below 0.00001; ExAC 0.00001.

Submissions (4):

Labcorp Genetics (formerly Invitae), Labcorp
Classification: Pathogenic for Saldino-Mainzer syndrome. Last evaluated: 2025-04-16. Review status: criteria provided, single submitter. Criteria: Invitae Variant Classification Sherloc (09022015). Collection method: clinical testing. Allele origin: germline.
Comment: This sequence change creates a premature translational stop signal (p.Asn460Lysfs*28) in the IFT140 gene. It is expected to result in an absent or disrupted protein product. Loss-of-function variants in IFT140 are known to be pathogenic (PMID: 22503633, 23418020, 24009529, 26216056). This variant is present in population databases (rs431905522, gnomAD 0.0009%). This premature translational stop signal has been observed in individual(s) with asphyxiating thoracic dystrophy (PMID: 23418020). ClinVar contains an entry for this variant (Variation ID: 97055). For these reasons, this variant has been classified as Pathogenic.

Victorian Clinical Genetics Services, Murdoch Childrens Research Institute
Classification: Pathogenic for Renal cyst. Last evaluated: 2024-10-10. Review status: criteria provided, single submitter. Criteria: ACMG Guidelines, 2015. Collection method: clinical testing. Allele origin: germline. Inheritance: Autosomal dominant inheritance. Affected: yes.
Comment: Based on the classification scheme VCGS_Germline_v1.3.5, this variant is classified as Pathogenic. Following criteria are met: 0102 - Loss of function is a known mechanism of disease in this gene and is associated with retinitis pigmentosa 80 (MIM#617781), short-rib thoracic dysplasia 9 with or without polydactyly (MIM#266920) and cystic kidney disease (MONDO:0002473), IFT140-related (PMID: 34890546). (I) 0108 - This gene is associated with both recessive and dominant disease. Retinitis pigmentosa 80 (MIM#617781) and short-rib thoracic dysplasia 9 with or without polydactyly (MIM#266920) are inherited in an autosomal recessive manner, while cystic kidney disease (MONDO:0002473), IFT140-related is inherited in an autosomal dominant manner (OMIM, PMID: 34890546). (I) 0112 - The dominant condition associated with this gene may have incomplete penetrance. Parents of children with short-rib thoracic dysplasia 9 with or without polydactyly, who carry a single pathogenic variant that has also previously been associated with the dominant cystic kidney disease phenotype, have been reported as unaffected (PMID: 34890546). However, these parents weren't specifically assessed for cystic kidney disease. (I) 0201 - Variant is predicted to cause nonsense-mediated decay (NMD) and loss of protein (premature termination codon is located at least 54 nucleotides upstream of the final exon-exon junction). (SP) 0251 - This variant is heterozygous. (I) 0304 - Variant is present in gnomAD <0.01 (v2: 1 heterozygote, 0 homozygotes). (SP) 0701 - Other NMD-predicted variants comparable to the one identified in this case have very strong previous evidence for pathogenicity (DECIPHER). These variants have been reported in families with later onset autosomal dominant polycystic kidney disease (PMID: 34890546) and autosomal recessive IFT140-related conditions (PMIDs: 22503633, 26968735). (SP) 0802 - This variant has moderate previous evidence of pathogenicity in unrelated individuals. It has been observed in a compound heterozygous individual with Jeune asphyxiating thoracic dystrophy with severe kidney involvement and retinal disease (PMID: 23418020). In addition, it has been reported as pathogenic by two clinical laboratories (ClinVar). (SP) 1208 - Inheritance information for this variant is not currently available in this individual. (I) Legend: (SP) - Supporting pathogenic, (I) - Information, (SB) - Supporting benign

Fulgent Genetics
Classification: Pathogenic for Saldino-Mainzer syndrome; Retinitis pigmentosa 80. Last evaluated: 2022-05-17. Review status: criteria provided, single submitter. Criteria: ACMG Guidelines, 2015. Collection method: clinical testing. Allele origin: unknown.

OMIM
Classification: Pathogenic for SHORT-RIB THORACIC DYSPLASIA 9 WITHOUT POLYDACTYLY. Last evaluated: 2013-05-01. Review status: no assertion criteria provided. Collection method: literature only. Allele origin: germline. Not counted in ClinVar's aggregate classification.

Literature cited by the submitters: PubMed 22503633 (cited by Labcorp Genetics (formerly Invitae), Labcorp and Victorian Clinical Genetics Services, Murdoch Childrens Research Institute); PubMed 23418020 (cited by 3 submitters); PubMed 24009529 (cited by Labcorp Genetics (formerly Invitae), Labcorp); PubMed 26216056 (cited by Labcorp Genetics (formerly Invitae), Labcorp); PubMed 26968735 (cited by Victorian Clinical Genetics Services, Murdoch Childrens Research Institute); PubMed 34890546 (cited by Victorian Clinical Genetics Services, Murdoch Childrens Research Institute).

NM_014714.4(IFT140):c.1380del (p.Asn460fs)

Genes: IFT140 (intraflagellar transport 140; minus strand), LOC105371046 (uncharacterized LOC105371046; plus strand). Cytogenetic location: 16p13.3.
Variant type: Deletion.
Coding change: c.1380del on transcript NM_014714.4 (MANE Select); coding-DNA position 1380, one base deleted (C; older notation c.1380delC).
Protein change: p.Asn460fs; shifts the reading frame from asparagine 460.
Molecular consequence: frameshift variant.
Genome position (GRCh38, 1-based): chr16:1,583,366, G deleted on the plus strand (C on the coding strand, the reverse complement: IFT140 is on the minus strand). VCF-style (leftmost placement, unchanged base first): chr16-1583365-CG-C. GRCh37 (hg19) VCF-style: chr16-1633366-CG-C.
Other names: c.1380delC (NM_014714.3); short protein forms N460fs.
Identifiers: ClinVar variation 97055 (VCV000097055.11), dbSNP rs431905522, ClinGen allele CA149749.